The following is an entry in ClinVar:

ClinVar aggregate classification (germline): Uncertain significance (1 of 4 stars; one submission).

Allele frequency attached by ClinVar (database versions not stated): ExAC 0.00002; gnomAD 0.00002 and 0.00003; gnomAD exomes 0.00002; TOPMed 0.00002; 1000 Genomes Project 30x 0.00016; 1000 Genomes Project 0.00020.
gnomAD v4.1: 15 of 1,614,008 alleles (0.00093%); highest among the groups gnomAD compares: East Asian, 0.0045%; no homozygotes.

Submissions (2):

Labcorp Genetics (formerly Invitae), Labcorp
Classification: Uncertain significance. Last evaluated: 2025-03-03. Review status: criteria provided, single submitter. Criteria: Invitae Variant Classification Sherloc (09022015). Collection method: clinical testing. Allele origin: germline.
Comment: This sequence change replaces alanine, which is neutral and non-polar, with valine, which is neutral and non-polar, at codon 128 of the CCT2 protein (p.Ala128Val). This variant is present in population databases (rs545752398, gnomAD 0.01%). This variant has not been reported in the literature in individuals affected with CCT2-related conditions. ClinVar contains an entry for this variant (Variation ID: 1421947). An algorithm developed to predict the effect of missense changes on protein structure and function (PolyPhen-2) suggests that this variant is likely to be tolerated. In summary, the available evidence is currently insufficient to determine the role of this variant in disease. Therefore, it has been classified as a Variant of Uncertain Significance.

Dr. Peter K. Rogan Lab, Western University
No classification provided (evidence only). Condition: Gastric cancer. Review status: no classification provided. Collection method: in vitro. Allele origin: not applicable. Functional consequence: retained intron. Not counted in ClinVar's aggregate classification.

NM_006431.3(CCT2):c.383C>T (p.Ala128Val)

Gene: CCT2 (chaperonin containing TCP1 subunit 2; plus strand). Cytogenetic location: 12q15.
Variant type: single nucleotide variant.
Coding change: c.383C>T on transcript NM_006431.3 (MANE Select); coding-DNA position 383, C replaced by T.
Protein change: p.Ala128Val; replaces alanine 128 with valine.
Molecular consequence: missense variant.
Genome position (GRCh38, 1-based): chr12:69,588,199, C>T. VCF-style: chr12-69588199-C-T. GRCh37 (hg19) VCF-style: chr12-69981979-C-T.
Other names: c.242C>T, p.Ala81Val (NM_001198842.2); short protein forms A128V, A81V.
Identifiers: ClinVar variation 1421947 (VCV001421947.7), dbSNP rs545752398, ClinGen allele CA6680561.